The following is an entry in ClinVar:

NM_000701.8(ATP1A1):c.56G>A (p.Gly19Asp)

Gene: ATP1A1 (ATPase Na+/K+ transporting subunit alpha 1; plus strand). Cytogenetic location: 1p13.1.
Variant type: single nucleotide variant.
Coding change: c.56G>A on transcript NM_000701.8 (MANE Select); coding-DNA position 56, G replaced by A.
Protein change: p.Gly19Asp; replaces glycine 19 with aspartic acid.
Molecular consequence: missense variant. On other transcripts: 5 prime UTR variant (1).
Genome position (GRCh38, 1-based): chr1:116,384,057, G>A. VCF-style: chr1-116384057-G-A. GRCh37 (hg19) VCF-style: chr1-116926679-G-A.
Other names: c.56G>A, p.Gly19Asp (NM_001160233.2); c.-38G>A (NM_001160234.2); short protein forms G19D.
Identifiers: ClinVar variation 4983997 (VCV004983997.1).

ClinVar aggregate classification (germline): Uncertain significance (1 of 4 stars; one submission).

Conditions:
ATP1A1-related disorder. Also called: ATP1A1-related condition.

Submission:

PreventionGenetics, part of Exact Sciences
Classification: Uncertain significance for ATP1A1-related condition. Last evaluated: 2025-04-25. Review status: criteria provided, single submitter. Criteria: ACMG Guidelines, 2015. Collection method: clinical testing. Allele origin: germline.
Comment: The ATP1A1 c.56G>A variant is predicted to result in the amino acid substitution p.Gly19Asp. To our knowledge, this variant has not been reported in the literature or in a large population database (gnomAD), indicating this variant is rare. At this time, the clinical significance of this variant is uncertain due to the absence of conclusive functional and genetic evidence.